The following is an entry in ClinVar:

NM_002875.5(RAD51):c.322G>A (p.Glu108Lys)

Gene: RAD51 (RAD51 recombinase; plus strand). Cytogenetic location: 15q15.1.
Variant type: single nucleotide variant.
Coding change: c.322G>A on transcript NM_002875.5 (MANE Select); coding-DNA position 322, G replaced by A.
Protein change: p.Glu108Lys; replaces glutamic acid 108 with lysine.
Molecular consequence: missense variant. On other transcripts: intron variant (2).
Genome position (GRCh38, 1-based): chr15:40,706,273, G>A. VCF-style: chr15-40706273-G-A. GRCh37 (hg19) VCF-style: chr15-40998471-G-A.
Other names: c.322G>A, p.Glu108Lys (NM_001164270.2); c.347-2752G>A (NM_133487.4, NM_001164269.2); short protein forms E108K.
Identifiers: ClinVar variation 3360169 (VCV003360169.1).
Genomic context (GRCh38, chr15:40,706,273, plus strand): 5'-ACTGCAACTGAATTCCACCAAAGGCGGTCAGAGATCATACAGATTACTACTGGCTCCAAA[G>A]AGCTTGACAAACTACTTCAAGGTGTAGTAATCCTTTATCCTGTGTTGTGAACTCTAGTTA-3'
Protein context (NP_002866.2, residues 98-118): EIIQITTGSK[Glu108Lys]LDKLLQGGIE

ClinVar aggregate classification (germline): Uncertain significance (1 of 4 stars; one submission).

Submission:

GeneDx
Classification: Uncertain significance. Last evaluated: 2023-06-22. Review status: criteria provided, single submitter. Criteria: GeneDx Variant Classification Process June 2021. Collection method: clinical testing. Allele origin: germline. Affected: yes.
Comment: Not observed at significant frequency in large population cohorts (gnomAD); In silico analysis supports that this missense variant has a deleterious effect on protein structure/function; Has not been previously published as pathogenic or benign to our knowledge